The following is an entry in ClinVar:

NM_006766.5(KAT6A):c.915G>A (p.Trp305Ter)

Gene: KAT6A (lysine acetyltransferase 6A; minus strand). Cytogenetic location: 8p11.21.
Variant type: single nucleotide variant.
Coding change: c.915G>A on transcript NM_006766.5 (MANE Select); coding-DNA position 915, G replaced by A.
Protein change: p.Trp305Ter; replaces tryptophan 305 with a stop codon.
Molecular consequence: nonsense.
Genome position (GRCh38, 1-based): chr8:41,978,770, C>T on the plus strand (G>A on the coding strand, the complement: KAT6A is on the minus strand). VCF-style: chr8-41978770-C-T. GRCh37 (hg19) VCF-style: chr8-41836288-C-T.
Other names: c.915G>A, p.Trp305Ter (NM_001305878.2); short protein forms W305*.
Identifiers: ClinVar variation 4846826 (VCV004846826.1).

ClinVar aggregate classification (germline): Likely pathogenic (1 of 4 stars; one submission).

Conditions:
Autosomal dominant intellectual disability-craniofacial anomalies-cardiac defects syndrome (ARTHS). Also called: Arboleda-Tham syndrome; Mental retardation, autosomal dominant 32; KAT6A syndrome. Identifiers: Orphanet 457193, MedGen C4225396, MONDO:0014558, OMIM 616268.

Submission:

Laboratorio de Genetica e Diagnostico Molecular, Hospital Israelita Albert Einstein
Classification: Likely pathogenic for Autosomal dominant intellectual disability-craniofacial anomalies-cardiac defects syndrome. Last evaluated: 2025-08-12. Review status: criteria provided, single submitter. Criteria: ACMG Guidelines, 2015. Collection method: clinical testing. Allele origin: germline. Affected: yes.
Comment: ACMG classification criteria: PVS1 very strong, PM2 supporting